The following is an entry in ClinVar:

ClinVar aggregate classification (germline): Uncertain significance (1 of 4 stars; one submission).

Conditions:
Kabuki syndrome. Also called: Kabuki make-up syndrome; NIIKAWA-KUROKI SYNDROME. Identifiers: Orphanet 2322, MedGen C0796004, MONDO:0016512.

Submission:

Labcorp Genetics (formerly Invitae), Labcorp
Classification: Uncertain significance for Kabuki syndrome. Last evaluated: 2023-12-25. Review status: criteria provided, single submitter. Criteria: Invitae Variant Classification Sherloc (09022015). Collection method: clinical testing. Allele origin: germline.
Comment: This sequence change replaces aspartic acid, which is acidic and polar, with histidine, which is basic and polar, at codon 5511 of the KMT2D protein (p.Asp5511His). This variant is not present in population databases (gnomAD no frequency). This variant has not been reported in the literature in individuals affected with KMT2D-related conditions. Advanced modeling of protein sequence and biophysical properties (such as structural, functional, and spatial information, amino acid conservation, physicochemical variation, residue mobility, and thermodynamic stability) has been performed at Invitae for this missense variant, however the output from this modeling did not meet the statistical confidence thresholds required to predict the impact of this variant on KMT2D protein function. In summary, the available evidence is currently insufficient to determine the role of this variant in disease. Therefore, it has been classified as a Variant of Uncertain Significance.

NM_003482.4(KMT2D):c.16531G>C (p.Asp5511His)

Gene: KMT2D (lysine methyltransferase 2D; minus strand). Cytogenetic location: 12q13.12.
Variant type: single nucleotide variant.
Coding change: c.16531G>C on transcript NM_003482.4 (MANE Select); coding-DNA position 16531, G replaced by C.
Protein change: p.Asp5511His; replaces aspartic acid 5511 with histidine.
Molecular consequence: missense variant.
Genome position (GRCh38, 1-based): chr12:49,021,863, C>G on the plus strand (G>C on the coding strand, the complement: KMT2D is on the minus strand). VCF-style: chr12-49021863-C-G. GRCh37 (hg19) VCF-style: chr12-49415646-C-G.
Other names: short protein forms D5511H.
Identifiers: ClinVar variation 2705429 (VCV002705429.3), dbSNP rs2499022253, ClinGen allele CA384675487.